The following is an entry in ClinVar:

NM_018685.5(ANLN):c.2075T>C (p.Val692Ala)

Gene: ANLN (anillin, actin binding protein; plus strand). Cytogenetic location: 7p14.2.
Variant type: single nucleotide variant.
Coding change: c.2075T>C on transcript NM_018685.5 (MANE Select); coding-DNA position 2075, T replaced by C.
Protein change: p.Val692Ala; replaces valine 692 with alanine.
Molecular consequence: missense variant.
Genome position (GRCh38, 1-based): chr7:36,420,656, T>C. VCF-style: chr7-36420656-T-C. GRCh37 (hg19) VCF-style: chr7-36460265-T-C.
Other names: c.1964T>C, p.Val655Ala (NM_001284301.3); c.1961T>C, p.Val654Ala (NM_001284302.3); short protein forms V655A, V654A, V692A.
Identifiers: ClinVar variation 4691926 (VCV004691926.1).

ClinVar aggregate classification (germline): Uncertain significance (1 of 4 stars; one submission).

gnomAD v4.1: 6 of 1,613,288 alleles (0.00037%); highest among the groups gnomAD compares: African/African-American, 0.0053%; no homozygotes.

Submission:

Labcorp Genetics (formerly Invitae), Labcorp
Classification: Uncertain significance. Last evaluated: 2025-04-22. Review status: criteria provided, single submitter. Criteria: Invitae Variant Classification Sherloc (09022015). Collection method: clinical testing. Allele origin: germline.
Comment: This sequence change replaces valine, which is neutral and non-polar, with alanine, which is neutral and non-polar, at codon 692 of the ANLN protein (p.Val692Ala). This variant is present in population databases (no rsID available, gnomAD 0.007%). This variant has not been reported in the literature in individuals affected with ANLN-related conditions. Invitae Evidence Modeling of protein sequence and biophysical properties (such as structural, functional, and spatial information, amino acid conservation, physicochemical variation, residue mobility, and thermodynamic stability) indicates that this missense variant is not expected to disrupt ANLN protein function with a negative predictive value of 80%. In summary, the available evidence is currently insufficient to determine the role of this variant in disease. Therefore, it has been classified as a Variant of Uncertain Significance.